The following is an entry in ClinVar:

ClinVar aggregate classification (germline): Conflicting classifications of pathogenicity. Review status: criteria provided, conflicting classifications (1 of 4 stars). 2 submissions from 2 submitters: Uncertain significance (1); Likely benign (1). Last evaluated 2025-06-16.

gnomAD v4.1: 7 of 1,613,668 alleles (0.00043%); highest among the groups gnomAD compares: South Asian, 0.0022%; no homozygotes.

Submissions (2):

Ambry Genetics
Classification: Likely benign. Last evaluated: 2025-06-16. Review status: criteria provided, single submitter. Criteria: Ambry Variant Classification Scheme 2023. Collection method: clinical testing. Allele origin: germline.

Labcorp Genetics (formerly Invitae), Labcorp
Classification: Uncertain significance. Last evaluated: 2024-11-03. Review status: criteria provided, single submitter. Criteria: Invitae Variant Classification Sherloc (09022015). Collection method: clinical testing. Allele origin: germline.
Comment: This sequence change replaces arginine, which is basic and polar, with histidine, which is basic and polar, at codon 103 of the CREB3L3 protein (p.Arg103His). This variant is present in population databases (rs755957009, gnomAD 0.003%). This variant has not been reported in the literature in individuals affected with CREB3L3-related conditions. Invitae Evidence Modeling of protein sequence and biophysical properties (such as structural, functional, and spatial information, amino acid conservation, physicochemical variation, residue mobility, and thermodynamic stability) indicates that this missense variant is not expected to disrupt CREB3L3 protein function with a negative predictive value of 80%. In summary, the available evidence is currently insufficient to determine the role of this variant in disease. Therefore, it has been classified as a Variant of Uncertain Significance.

NM_032607.3(CREB3L3):c.308G>A (p.Arg103His)

Gene: CREB3L3 (cAMP responsive element binding protein 3 like 3; plus strand). Cytogenetic location: 19p13.3.
Variant type: single nucleotide variant.
Coding change: c.308G>A on transcript NM_032607.3 (MANE Select); coding-DNA position 308, G replaced by A.
Protein change: p.Arg103His; replaces arginine 103 with histidine.
Molecular consequence: missense variant.
Genome position (GRCh38, 1-based): chr19:4,157,146, G>A. VCF-style: chr19-4157146-G-A. GRCh37 (hg19) VCF-style: chr19-4157143-G-A.
Other names: c.305G>A, p.Arg102His (NM_001271995.2); c.308G>A, p.Arg103His (NM_001271996.2, NM_001271997.2); c.308G>A (NM_032607.1); short protein forms R102H, R103H.
Identifiers: ClinVar variation 3608265 (VCV003608265.3).